The following is an entry in ClinVar:

ClinVar aggregate classification (germline): Uncertain significance (1 of 4 stars; one submission).

Conditions:
Hereditary cancer-predisposing syndrome. Also called: Neoplastic Syndromes, Hereditary; Tumor predisposition; Hereditary Cancer Syndrome; Hereditary neoplastic syndrome. Identifiers: Orphanet 140162, MedGen C0027672, MeSH D009386, MONDO:0015356.

Submission:

Ambry Genetics
Classification: Uncertain significance for Hereditary cancer-predisposing syndrome. Last evaluated: 2021-03-03. Review status: criteria provided, single submitter. Criteria: Ambry Variant Classification Scheme 2023. Collection method: clinical testing. Allele origin: germline.
Comment: The c.3403-5T>G intronic variant results from a T to G substitution 5 nucleotides upstream from coding exon 23 in the ATM gene. This nucleotide position is well conserved in available vertebrate species. In silico splice site analysis predicts that this alteration may weaken the native splice acceptor site; however, direct evidence is unavailable. Since supporting evidence is limited at this time, the clinical significance of this alteration remains unclear.

NM_000051.4(ATM):c.3403-5T>G

Gene: ATM (ATM serine/threonine kinase; plus strand). Cytogenetic location: 11q22.3.
Variant type: single nucleotide variant.
Coding change: c.3403-5T>G on transcript NM_000051.4 (MANE Select); 5 bases into the intron before coding-DNA position 3403, T replaced by G.
Molecular consequence: intron variant.
Genome position (GRCh38, 1-based): chr11:108,280,990, T>G. VCF-style: chr11-108280990-T-G. GRCh37 (hg19) VCF-style: chr11-108151717-T-G.
Other names: c.3403-5T>G (NM_001351834.2).
Identifiers: ClinVar variation 1731092 (VCV001731092.2), dbSNP rs2135665137, ClinGen allele CA2580083013.